The following is an entry in ClinVar:

NM_000400.4(ERCC2):c.2029A>T (p.Met677Leu)

Gene: ERCC2 (ERCC excision repair 2, TFIIH core complex helicase subunit; minus strand). Cytogenetic location: 19q13.32.
Variant type: single nucleotide variant.
Coding change: c.2029A>T on transcript NM_000400.4 (MANE Select); coding-DNA position 2029, A replaced by T.
Protein change: p.Met677Leu; replaces methionine 677 with leucine.
Molecular consequence: missense variant.
Genome position (GRCh38, 1-based): chr19:45,352,523, T>A on the plus strand (A>T on the coding strand, the complement: ERCC2 is on the minus strand). VCF-style: chr19-45352523-T-A. GRCh37 (hg19) VCF-style: chr19-45855781-T-A.
Other names: short protein forms M677L.
Identifiers: ClinVar variation 3509861 (VCV003509861.1).
Genomic context (GRCh38, chr19:45,352,523, plus strand): 5'-TGGAGCCTGGGATGGGAGCACAGGGGCACCCCTGAAGCTGCACCTTGTCGGCAAAGACCA[T>A]GAGGCCGTAGTCCGTCTTGCCCCTGATGGCCCGACCCACACACTGGGCCGCGTGGCGCAT-3'
Protein context (NP_000391.1, residues 667-687): AIRGKTDYGL[Met677Leu]VFADKRFARG

ClinVar aggregate classification (germline): Uncertain significance (1 of 4 stars; one submission).

Conditions:
Inborn genetic diseases. Identifiers: MedGen C0950123, MeSH D030342.

Submission:

Ambry Genetics
Classification: Uncertain significance for Inborn genetic diseases. Last evaluated: 2024-09-05. Review status: criteria provided, single submitter. Criteria: Ambry Variant Classification Scheme 2023. Collection method: clinical testing. Allele origin: germline.
Comment: The p.M677L variant (also known as c.2029A>T), located in coding exon 21 of the ERCC2 gene, results from an A to T substitution at nucleotide position 2029. The methionine at codon 677 is replaced by leucine, an amino acid with highly similar properties. This amino acid position is conserved. In addition, the in silico prediction for this alteration is inconclusive. Based on the available evidence, the clinical significance of this variant remains unclear.